The following is an entry in ClinVar:

ClinVar aggregate classification (germline): Uncertain significance (1 of 4 stars; one submission).

Conditions:
Tuberous sclerosis 2 (TSC2). Identifiers: Orphanet 805, MedGen C1860707, MONDO:0013199, OMIM 613254.

Submission:

Labcorp Genetics (formerly Invitae), Labcorp
Classification: Uncertain significance for Tuberous sclerosis 2. Last evaluated: 2024-02-13. Review status: criteria provided, single submitter. Criteria: Invitae Variant Classification Sherloc (09022015). Collection method: clinical testing. Allele origin: germline.
Comment: This sequence change replaces threonine, which is neutral and polar, with alanine, which is neutral and non-polar, at codon 1330 of the TSC2 protein (p.Thr1330Ala). This variant is not present in population databases (gnomAD no frequency). This variant has not been reported in the literature in individuals affected with TSC2-related conditions. ClinVar contains an entry for this variant (Variation ID: 468052). Advanced modeling of protein sequence and biophysical properties (such as structural, functional, and spatial information, amino acid conservation, physicochemical variation, residue mobility, and thermodynamic stability) performed at Invitae indicates that this missense variant is not expected to disrupt TSC2 protein function with a negative predictive value of 95%. In summary, the available evidence is currently insufficient to determine the role of this variant in disease. Therefore, it has been classified as a Variant of Uncertain Significance.

NM_000548.5(TSC2):c.3988A>G (p.Thr1330Ala)

Gene: TSC2 (TSC complex subunit 2; plus strand). Cytogenetic location: 16p13.3.
Variant type: single nucleotide variant.
Coding change: c.3988A>G on transcript NM_000548.5 (MANE Select); coding-DNA position 3988, A replaced by G.
Protein change: p.Thr1330Ala; replaces threonine 1330 with alanine.
Molecular consequence: missense variant.
Genome position (GRCh38, 1-based): chr16:2,083,799, A>G. VCF-style: chr16-2083799-A-G. GRCh37 (hg19) VCF-style: chr16-2133800-A-G.
Other names: c.3787A>G, p.Thr1263Ala (NM_001077183.3); c.3919A>G, p.Thr1307Ala (NM_001114382.3); c.3679A>G, p.Thr1227Ala (NM_001318827.2); c.3643A>G, p.Thr1215Ala (NM_001318829.2); c.3256A>G, p.Thr1086Ala (NM_001318831.2); c.3820A>G, p.Thr1274Ala (NM_001318832.2); c.3790A>G, p.Thr1264Ala (NM_001363528.2); c.3856A>G, p.Thr1286Ala (NM_001370404.1); and 1 more; short protein forms T1330A, T1227A, T1263A, T1286A, T1287A, T1086A, T1264A, T1307A.
Identifiers: ClinVar variation 468052 (VCV000468052.10), dbSNP rs1555513561, ClinGen allele CA394297702.
Genomic context (GRCh38, chr16:2,083,799, plus strand): 5'-GTGCTGGTGGAGCCCCCAGGGTTGGAGGACGTTGAGGCAGCGCTAGGCATGGACAGGCGC[A>G]CGGATGCCTACAGCAGGGTGAGTGTGGCTCAGAGCCTGGACCCTGCTGACCTCGGGGGGC-3'
Protein context (NP_000539.2, residues 1320-1340): VEAALGMDRR[Thr1330Ala]DAYSRSSSVS